The following is an entry in ClinVar:

NM_000455.5(STK11):c.464+11G>C

Gene: STK11 (serine/threonine kinase 11; plus strand). Cytogenetic location: 19p13.3.
Variant type: single nucleotide variant.
Coding change: c.464+11G>C on transcript NM_000455.5 (MANE Select); 11 bases into the intron after coding-DNA position 464, G replaced by C.
Molecular consequence: intron variant.
Genome position (GRCh38, 1-based): chr19:1,219,424, G>C. VCF-style: chr19-1219424-G-C. GRCh37 (hg19) VCF-style: chr19-1219423-G-C.
Identifiers: ClinVar variation 388070 (VCV000388070.1), dbSNP rs571895916, ClinGen allele CA16608010.
Genomic context (GRCh38, chr19:1,219,424, plus strand): 5'-ATGCTGGACAGCGTGCCGGAGAAGCGTTTCCCAGTGTGCCAGGCCCACGGGTGCGTGCGC[G>C]GGGCAGGGGCCAGGGTGGGGCGGGGGCCGGGGGCCAGGCAGGGCAGGCTCCTTTCCGTGA-3'

ClinVar aggregate classification (germline): Likely benign (1 of 4 stars; one submission).

Submission:

GeneDx
Classification: Likely benign. Last evaluated: 2016-07-25. Review status: criteria provided, single submitter. Criteria: GeneDx Variant Classification (06012015). Collection method: clinical testing. Allele origin: germline. Affected: yes.
Comment: This variant is considered likely benign or benign based on one or more of the following criteria: it is a conservative change, it occurs at a poorly conserved position in the protein, it is predicted to be benign by multiple in silico algorithms, and/or has population frequency not consistent with disease.